The following is an entry in ClinVar:

ClinVar aggregate classification (germline): Uncertain significance. Review status: criteria provided, multiple submitters, no conflicts (2 of 4 stars). 2 submissions from 2 submitters: Uncertain significance (2). Last evaluated 2026-03-01.

Conditions:
Developmental and epileptic encephalopathy, 9 (DEE9). Also called: PCDH19-Related X-Linked Female-Limited Epilepsy with Mental Retardation; EPILEPSY, FEMALE-RESTRICTED, WITH MENTAL RETARDATION; Early infantile epileptic encephalopathy 9; JUBERG-HELLMAN SYNDROME. Identifiers: Orphanet 101039, Orphanet 2076, MedGen C1848137, MONDO:0010246, OMIM 300088. Disease mechanism: loss of function.

Allele frequency attached by ClinVar (database versions not stated): gnomAD exomes below 0.00001; ExAC 0.00001; TOPMed 0.00002.
gnomAD v4.1: 2 of 1,191,673 alleles (0.00017%); highest among the groups gnomAD compares: Admixed American, 0.0043%; no homozygotes.

Submissions (2):

CeGaT Center for Human Genetics Tuebingen
Classification: Uncertain significance. Last evaluated: 2026-03-01. Review status: criteria provided, single submitter. Criteria: CeGaT Center For Human Genetics Tuebingen Variant Classification Criteria Version 2. Collection method: clinical testing. Allele origin: germline. Affected: yes. Observed: 1 variant allele.

Labcorp Genetics (formerly Invitae), Labcorp
Classification: Uncertain significance for Developmental and epileptic encephalopathy, 9. Last evaluated: 2024-08-13. Review status: criteria provided, single submitter. Criteria: Invitae Variant Classification Sherloc (09022015). Collection method: clinical testing. Allele origin: germline.
Comment: This sequence change replaces alanine, which is neutral and non-polar, with threonine, which is neutral and polar, at codon 887 of the PCDH19 protein (p.Ala887Thr). The frequency data for this variant in the population databases is considered unreliable, as metrics indicate poor data quality at this position in the gnomAD database. This variant has not been reported in the literature in individuals affected with PCDH19-related conditions. ClinVar contains an entry for this variant (Variation ID: 1429746). Advanced modeling of protein sequence and biophysical properties (such as structural, functional, and spatial information, amino acid conservation, physicochemical variation, residue mobility, and thermodynamic stability) has been performed at Invitae for this missense variant, however the output from this modeling did not meet the statistical confidence thresholds required to predict the impact of this variant on PCDH19 protein function. In summary, the available evidence is currently insufficient to determine the role of this variant in disease. Therefore, it has been classified as a Variant of Uncertain Significance.

NM_001184880.2(PCDH19):c.2659G>A (p.Ala887Thr)

Gene: PCDH19 (protocadherin 19; minus strand). Cytogenetic location: Xq22.1.
Variant type: single nucleotide variant.
Coding change: c.2659G>A on transcript NM_001184880.2 (MANE Select); coding-DNA position 2659, G replaced by A.
Protein change: p.Ala887Thr; replaces alanine 887 with threonine.
Molecular consequence: missense variant.
Genome position (GRCh38, 1-based): chrX:100,350,662, C>T on the plus strand (G>A on the coding strand, the complement: PCDH19 is on the minus strand). VCF-style: chrX-100350662-C-T. GRCh37 (hg19) VCF-style: chrX-99605660-C-T.
Other names: c.2518G>A, p.Ala840Thr (NM_001105243.2, NM_020766.3); short protein forms A887T, A840T.
Identifiers: ClinVar variation 1429746 (VCV001429746.12), dbSNP rs747735300, ClinGen allele CA10468736.